The following is an entry in ClinVar:

ClinVar aggregate classification (germline): Uncertain significance (1 of 4 stars; one submission).

Conditions:
Arrhythmogenic right ventricular dysplasia 13. Also called: Arrhythmogenic right ventricular dysplasia, familial, 13; ARRHYTHMOGENIC RIGHT VENTRICULAR CARDIOMYOPATHY 13. Identifiers: MedGen C3810138, MONDO:0000908, OMIM 615616.

Submission:

Labcorp Genetics (formerly Invitae), Labcorp
Classification: Uncertain significance for Arrhythmogenic right ventricular dysplasia 13. Last evaluated: 2025-03-27. Review status: criteria provided, single submitter. Criteria: Invitae Variant Classification Sherloc (09022015). Collection method: clinical testing. Allele origin: germline.
Comment: This sequence change creates a premature translational stop signal (p.Thr88Asnfs*5) in the CTNNA3 gene. It is expected to result in an absent or disrupted protein product. However, the current clinical and genetic evidence is not sufficient to establish whether loss-of-function variants in CTNNA3 cause disease. This variant is not present in population databases (gnomAD no frequency). This variant has not been reported in the literature in individuals affected with CTNNA3-related conditions. In summary, the available evidence is currently insufficient to determine the role of this variant in disease. Therefore, it has been classified as a Variant of Uncertain Significance.

NM_013266.4(CTNNA3):c.262dup (p.Thr88fs)

Gene: CTNNA3 (catenin alpha 3; minus strand). Cytogenetic location: 10q21.3.
Variant type: Duplication.
Coding change: c.262dup on transcript NM_013266.4 (MANE Select); coding-DNA position 262, one base duplicated (A; older notation c.262dupA).
Protein change: p.Thr88fs; shifts the reading frame from threonine 88.
Molecular consequence: frameshift variant.
Genome position (GRCh38, 1-based): chr10:67,606,887, T duplicated on the plus strand (A on the coding strand, the reverse complement: CTNNA3 is on the minus strand). VCF-style (leftmost placement, unchanged base first): chr10-67606886-G-GT. GRCh37 (hg19) VCF-style: chr10-69366644-G-GT.
Other names: c.262dup, p.Thr88fs (NM_001127384.3); c.298dup, p.Thr100fs (NM_001291133.2); short protein forms T100fs, T88fs.
Identifiers: ClinVar variation 4716111 (VCV004716111.1).